The following is an entry in ClinVar:

NM_001530.4(HIF1A):c.746A>C (p.Asp249Ala)

Genes: HIF1A (hypoxia inducible factor 1 subunit alpha; plus strand), HIF1A-AS3 (HIF1A antisense RNA 3; minus strand). Cytogenetic location: 14q23.2.
Variant type: single nucleotide variant.
Coding change: c.746A>C on transcript NM_001530.4 (MANE Select); coding-DNA position 746, A replaced by C.
Protein change: p.Asp249Ala; replaces aspartic acid 249 with alanine.
Molecular consequence: missense variant.
Genome position (GRCh38, 1-based): chr14:61,727,628, A>C. VCF-style: chr14-61727628-A-C. GRCh37 (hg19) VCF-style: chr14-62194346-A-C.
Other names: c.818A>C, p.Asp273Ala (NM_001243084.2); c.746A>C, p.Asp249Ala (NM_181054.3); short protein forms D249A, D273A.
Identifiers: ClinVar variation 4685753 (VCV004685753.1).

ClinVar aggregate classification (germline): Uncertain significance (1 of 4 stars; one submission).

gnomAD v4.1: 373 of 1,613,120 alleles (0.023%); highest among the groups gnomAD compares: Non-Finnish European, 0.031%; no homozygotes.

Submission:

ARUP Laboratories, Molecular Genetics and Genomics, ARUP Laboratories
Classification: Uncertain significance. Last evaluated: 2025-04-15. Review status: criteria provided, single submitter. Criteria: ARUP Molecular Germline Variant Investigation Process 2024. Collection method: clinical testing. Allele origin: germline.
Comment: The HIF1A c.746A>C; p.Asp249Ala variant (rs373399672), to our knowledge, is not reported in the medical literature or gene specific databases in the context of erythrocytosis. This variant is found predominantly in the non-Finnish European population with an allele frequency of 0.01% (19/128998 alleles) in the Genome Aggregation Database (v2.1.1). Computational analyses predict that this variant is deleterious (REVEL: 0.759). However, given the lack of clinical and functional data, the significance of this variant is uncertain at this time.